The following is an entry in ClinVar:

NM_000218.3(KCNQ1):c.1096C>A (p.Arg366=)

Gene: KCNQ1 (potassium voltage-gated channel subfamily Q member 1; plus strand). Cytogenetic location: 11p15.5.
Variant type: single nucleotide variant.
Coding change: c.1096C>A on transcript NM_000218.3 (MANE Select); coding-DNA position 1096, C replaced by A.
Protein change: p.Arg366=; no amino-acid change (arginine 366 retained).
Molecular consequence: synonymous variant. On other transcripts: intron variant (2).
Genome position (GRCh38, 1-based): chr11:2,585,275, C>A. VCF-style: chr11-2585275-C-A. GRCh37 (hg19) VCF-style: chr11-2606505-C-A.
Other names: c.826C>A, p.Arg276= (NM_001406837.1); c.715C>A, p.Arg239= (NM_181798.2); c.1032+1730C>A (NM_001406836.1); c.588+1730C>A (NM_001406838.1).
Identifiers: ClinVar variation 1126533 (VCV001126533.11), dbSNP rs199473411, ClinGen allele CA472038504.

ClinVar aggregate classification (germline): Likely benign. Review status: criteria provided, multiple submitters, no conflicts (2 of 4 stars). 3 submissions from 3 submitters: Likely benign (3). Last evaluated 2024-10-15.

Conditions:
Long QT syndrome (LQTS). Identifiers: MedGen C0023976, MeSH D008133, MONDO:0002442. Disease mechanism: loss of function. Inheritance: Various modes of inheritance.
Cardiac arrhythmia. Also called: Cardiac rhythm disease; Arrhythmia. Identifiers: MedGen C0003811, MONDO:0007263, HP:0011675.

Allele frequency attached by ClinVar (database versions not stated): TOPMed 0.00001; gnomAD 0.00001.
gnomAD v4.1: 4 of 1,613,892 alleles (0.00025%); highest among the groups gnomAD compares: Non-Finnish European, 0.00034%; no homozygotes.

Submissions (3):

Labcorp Genetics (formerly Invitae), Labcorp
Classification: Likely benign for Long QT syndrome. Last evaluated: 2024-10-15. Review status: criteria provided, single submitter. Criteria: Invitae Variant Classification Sherloc (09022015). Collection method: clinical testing. Allele origin: germline.

All of Us Research Program, National Institutes of Health
Classification: Likely benign for Long QT syndrome. Last evaluated: 2023-06-08. Review status: criteria provided, single submitter. Criteria: ACMG Guidelines, 2015. Collection method: clinical testing. Allele origin: germline. Inheritance: Autosomal dominant inheritance. Observed: 1 variant allele, 1 heterozygote.
Comment: This study involves interpretation of variants in research participants for the purpose of population health screening. Participant phenotype was not available at the time of variant classification. Additional details can be found in publication PMID: 35346344, PMCID: PMC8962531

Color Diagnostics, LLC DBA Color Health
Classification: Likely benign for Cardiac arrhythmia. Last evaluated: 2022-11-06. Review status: criteria provided, single submitter. Criteria: ACMG Guidelines, 2015. Collection method: clinical testing. Allele origin: germline.